The following is an entry in ClinVar:

ClinVar aggregate classification (germline): Uncertain significance. Review status: criteria provided, multiple submitters, no conflicts (2 of 4 stars). 2 submissions from 2 submitters: Uncertain significance (2). Last evaluated 2025-10-28.

Submissions (2):

Mayo Clinic Laboratories, Mayo Clinic
Classification: Uncertain significance. Last evaluated: 2025-10-28. Review status: criteria provided, single submitter. Criteria: ACMG Guidelines, 2015. Collection method: clinical testing. Allele origin: germline. Observed: 1 variant allele.
Comment: PM2_supporting, PM4

Labcorp Genetics (formerly Invitae), Labcorp
Classification: Uncertain significance. Last evaluated: 2025-05-15. Review status: criteria provided, single submitter. Criteria: Invitae Variant Classification Sherloc (09022015). Collection method: clinical testing. Allele origin: germline.
Comment: This variant, c.3054_3068dup, results in the insertion of 5 amino acid(s) of the AEBP1 protein (p.Gln1020_Gln1024dup), but otherwise preserves the integrity of the reading frame. This variant is present in population databases (rs778908904, gnomAD 0.007%). This variant has not been reported in the literature in individuals affected with AEBP1-related conditions. ClinVar contains an entry for this variant (Variation ID: 2196179). Experimental studies and prediction algorithms are not available or were not evaluated, and the functional significance of this variant is currently unknown. In summary, the available evidence is currently insufficient to determine the role of this variant in disease. Therefore, it has been classified as a Variant of Uncertain Significance.

NM_001129.5(AEBP1):c.3054_3068dup (p.Gln1024_His1025insGlnArgArgLeuGln)

Gene: AEBP1 (AE binding protein 1; plus strand). Cytogenetic location: 7p13.
Variant type: Duplication.
Coding change: c.3054_3068dup on transcript NM_001129.5 (MANE Select); coding-DNA positions 3054 to 3068, 15 bases duplicated (GCAGCAGCGACGCCT).
Protein change: p.Gln1024_His1025insGlnArgArgLeuGln.
Molecular consequence: inframe insertion.
Genome position (GRCh38, 1-based): chr7:44,113,838-44,113,852, GCAGCAGCGACGCCT duplicated; duplicating any 15 consecutive bases within chr7:44,113,827-44,113,852 gives the same sequence; the c. name uses the placement nearest the transcript's 3' end. VCF-style (leftmost placement, unchanged base first): chr7-44113826-A-ACAGCGACGCCTGCAG. GRCh37 (hg19) VCF-style: chr7-44153425-A-ACAGCGACGCCTGCAG.
Other names: p.Gln1020_Gln1024dup.
Identifiers: ClinVar variation 2196179 (VCV002196179.3), dbSNP rs755132794, ClinGen allele CA4238389.